The following is an entry in ClinVar:

NM_032634.4(PIGO):c.2426G>A (p.Arg809Gln)

Gene: PIGO (phosphatidylinositol glycan anchor biosynthesis class O; minus strand). Cytogenetic location: 9p13.3.
Variant type: single nucleotide variant.
Coding change: c.2426G>A on transcript NM_032634.4 (MANE Select); coding-DNA position 2426, G replaced by A.
Protein change: p.Arg809Gln; replaces arginine 809 with glutamine.
Molecular consequence: missense variant. On other transcripts: intron variant (2).
Genome position (GRCh38, 1-based): chr9:35,091,461, C>T on the plus strand (G>A on the coding strand, the complement: PIGO is on the minus strand). VCF-style: chr9-35091461-C-T. GRCh37 (hg19) VCF-style: chr9-35091458-C-T.
Other names: c.1345-170G>A (NM_152850.4, NM_001201484.2); short protein forms R809Q.
Identifiers: ClinVar variation 2194924 (VCV002194924.1), dbSNP rs757836072, ClinGen allele CA192709848.

ClinVar aggregate classification (germline): Uncertain significance (1 of 4 stars; one submission).

Conditions:
Hyperphosphatasia with impaired intellectual development syndrome 2. Also called: Hyperphosphatasia with intellectual disability syndrome 2; GLYCOSYLPHOSPHATIDYLINOSITOL BIOSYNTHESIS DEFECT 6. Identifiers: Orphanet 247262, MedGen C3553637, MONDO:0013882, OMIM 614749.

Allele frequency attached by ClinVar (database versions not stated): TOPMed below 0.00001; gnomAD 0.00001.
gnomAD v4.1: 17 of 1,614,084 alleles (0.0011%); highest among the groups gnomAD compares: East Asian, 0.0022%; no homozygotes.

Submission:

Labcorp Genetics (formerly Invitae), Labcorp
Classification: Uncertain significance for Hyperphosphatasia with impaired intellectual development syndrome 2. Last evaluated: 2022-03-23. Review status: criteria provided, single submitter. Criteria: Invitae Variant Classification Sherloc (09022015). Collection method: clinical testing. Allele origin: germline.
Comment: This sequence change replaces arginine, which is basic and polar, with glutamine, which is neutral and polar, at codon 809 of the PIGO protein (p.Arg809Gln). This variant is not present in population databases (gnomAD no frequency). This variant has not been reported in the literature in individuals affected with PIGO-related conditions. Algorithms developed to predict the effect of missense changes on protein structure and function output the following: SIFT: "Tolerated"; PolyPhen-2: "Benign"; Align-GVGD: "Class C0". The glutamine amino acid residue is found in multiple mammalian species, which suggests that this missense change does not adversely affect protein function. In summary, the available evidence is currently insufficient to determine the role of this variant in disease. Therefore, it has been classified as a Variant of Uncertain Significance.